The following is an entry in ClinVar:

NM_000038.6(APC):c.4233T>C (p.Ser1411=)

Gene: APC (APC regulator of Wnt signaling pathway; plus strand). Cytogenetic location: 5q22.2.
Variant type: single nucleotide variant.
Coding change: c.4233T>C on transcript NM_000038.6 (MANE Select); coding-DNA position 4233, T replaced by C.
Protein change: p.Ser1411=; no amino-acid change (serine 1411 retained).
Molecular consequence: synonymous variant.
Genome position (GRCh38, 1-based): chr5:112,839,827, T>C. VCF-style: chr5-112839827-T-C. GRCh37 (hg19) VCF-style: chr5-112175524-T-C.
Other names: c.4233T>C, p.Ser1411= (NM_001127510.3, NM_001354895.2); c.4179T>C, p.Ser1393= (NM_001127511.3); c.4287T>C, p.Ser1429= (NM_001354896.2); c.4263T>C, p.Ser1421= (NM_001354897.2); c.4158T>C, p.Ser1386= (NM_001354898.2); c.4149T>C, p.Ser1383= (NM_001354899.2); c.4110T>C, p.Ser1370= (NM_001354900.2); c.4056T>C, p.Ser1352= (NM_001354901.2); and 5 more.
Identifiers: ClinVar variation 537599 (VCV000537599.22), dbSNP rs761170573, ClinGen allele CA038329.

ClinVar aggregate classification (germline): Benign/Likely benign. Review status: criteria provided, multiple submitters, no conflicts (2 of 4 stars). 7 submissions from 7 submitters: Benign (2); Likely benign (5). Last evaluated 2025-10-01.

Conditions:
Classic or attenuated familial adenomatous polyposis. Identifiers: MedGen CN372698, MONDO:0021057.
Hereditary cancer-predisposing syndrome. Also called: Tumor predisposition; Hereditary Cancer Syndrome; Hereditary neoplastic syndrome; Neoplastic Syndromes, Hereditary. Identifiers: Orphanet 140162, MedGen C0027672, MeSH D009386, MONDO:0015356.
Familial adenomatous polyposis 1 (FAP1). Also called: FAMILIAL ADENOMATOUS POLYPOSIS 1, ATTENUATED; POLYPOSIS, ADENOMATOUS INTESTINAL. Identifiers: MedGen C2713442, MONDO:0021056, OMIM 175100. Disease mechanism: loss of function.

Allele frequency attached by ClinVar (database versions not stated): ExAC 0.00002; gnomAD exomes 0.00002 and 0.00004; TOPMed 0.00004.
gnomAD v4.1: 11 of 1,613,956 alleles (0.00068%); highest among the groups gnomAD compares: Admixed American, 0.018%; no homozygotes.

Submissions (7):

Labcorp Genetics (formerly Invitae), Labcorp
Classification: Likely benign for Familial adenomatous polyposis 1. Last evaluated: 2025-10-01. Review status: criteria provided, single submitter. Criteria: Invitae Variant Classification Sherloc (09022015). Collection method: clinical testing. Allele origin: germline.

Myriad Genetics, Inc.
Classification: Benign for Familial adenomatous polyposis 1. Last evaluated: 2024-03-26. Review status: criteria provided, single submitter. Criteria: Myriad Autosomal Dominant, Autosomal Recessive and X-Linked Classification Criteria (2023). Collection method: clinical testing. Allele origin: unknown.
Comment: This variant is considered benign. This variant is a silent/synonymous amino acid change and it is not expected to impact splicing.

All of Us Research Program, National Institutes of Health
Classification: Likely benign for Classic or attenuated familial adenomatous polyposis. Last evaluated: 2024-02-05. Review status: criteria provided, single submitter. Criteria: ACMG Guidelines, 2015. Collection method: clinical testing. Allele origin: germline. Inheritance: Autosomal dominant inheritance. Observed: 3 variant alleles, 3 heterozygotes.
Comment: This study involves interpretation of variants in research participants for the purpose of population health screening. Participant phenotype was not available at the time of variant classification. Additional details can be found in publication PMID: 35346344, PMCID: PMC8962531

Women's Health and Genetics/Laboratory Corporation of America, LabCorp
Classification: Likely benign. Last evaluated: 2022-10-13. Review status: criteria provided, single submitter. Criteria: LabCorp Variant Classification Summary - May 2015. Collection method: clinical testing. Allele origin: germline.

Quest Diagnostics Nichols Institute San Juan Capistrano
Classification: Benign. Last evaluated: 2020-12-04. Review status: criteria provided, single submitter. Criteria: Quest Diagnostics criteria. Collection method: clinical testing. Allele origin: unknown.

Color Diagnostics, LLC DBA Color Health
Classification: Likely benign for Hereditary cancer-predisposing syndrome. Last evaluated: 2019-04-03. Review status: criteria provided, single submitter. Criteria: ACMG Guidelines, 2015. Collection method: clinical testing. Allele origin: germline.

Ambry Genetics
Classification: Likely benign for Hereditary cancer-predisposing syndrome. Last evaluated: 2018-11-16. Review status: criteria provided, single submitter. Criteria: Ambry Variant Classification Scheme 2023. Collection method: clinical testing. Allele origin: germline.